The following is an entry in ClinVar:

NM_000258.3(MYL3):c.82G>A (p.Glu28Lys)

Gene: MYL3 (myosin light chain 3; minus strand). Cytogenetic location: 3p21.31.
Variant type: single nucleotide variant.
Coding change: c.82G>A on transcript NM_000258.3 (MANE Select); coding-DNA position 82, G replaced by A.
Protein change: p.Glu28Lys; replaces glutamic acid 28 with lysine.
Molecular consequence: missense variant.
Genome position (GRCh38, 1-based): chr3:46,863,309, C>T on the plus strand (G>A on the coding strand, the complement: MYL3 is on the minus strand). VCF-style: chr3-46863309-C-T. GRCh37 (hg19) VCF-style: chr3-46904799-C-T.
Other names: short protein forms E28K.
Identifiers: ClinVar variation 228935 (VCV000228935.10), dbSNP rs754220375, ClinGen allele CA045177.
Genomic context (GRCh38, chr3:46,863,309, plus strand): 5'-CTTCCATACCCACCTTGATCTTGGAAGCATCAAACTCGACCTCCTTAGGGCGCTCAGGCT[C>T]AGGGGGAGGTGCGGGAGCTGGAGCTGCCTTGGGGGCTGCCTTGGCATCATCCTTCTTGGG-3'
Protein context (NP_000249.1, residues 18-38): KAAPAPAPPP[Glu28Lys]PERPKEVEFD

ClinVar aggregate classification (germline): Uncertain significance. Review status: criteria provided, multiple submitters, no conflicts (2 of 4 stars). 4 submissions from 4 submitters: Uncertain significance (4). Last evaluated 2025-11-01.

Conditions:
Cardiomyopathy (CMYO). Also called: Cardiomyopathies. Identifiers: Orphanet 167848, MedGen C0878544, MONDO:0004994, HP:0001638. Inheritance: Various modes of inheritance.
Hypertrophic cardiomyopathy. Also called: HYPERTROPHIC MYOCARDIOPATHY. Identifiers: Orphanet 217569, MedGen C0007194, MeSH D002312, MONDO:0005045, HP:0001639.

Allele frequency attached by ClinVar (database versions not stated): gnomAD exomes below 0.00001 and 0.00001; ExAC 0.00001; gnomAD 0.00001; TOPMed 0.00002.
gnomAD v4.1: 8 of 1,614,000 alleles (0.0005%); highest among the groups gnomAD compares: Non-Finnish European, 0.00068%; no homozygotes.

Submissions (4):

Labcorp Genetics (formerly Invitae), Labcorp
Classification: Uncertain significance for Hypertrophic cardiomyopathy. Last evaluated: 2025-11-01. Review status: criteria provided, single submitter. Criteria: Invitae Variant Classification Sherloc (09022015). Collection method: clinical testing. Allele origin: germline.
Comment: This sequence change replaces glutamic acid, which is acidic and polar, with lysine, which is basic and polar, at codon 28 of the MYL3 protein (p.Glu28Lys). This variant is present in population databases (rs754220375, gnomAD 0.0009%). This variant has not been reported in the literature in individuals affected with MYL3-related conditions. ClinVar contains an entry for this variant (Variation ID: 228935). Experimental studies and prediction algorithms are not available or were not evaluated, and the functional significance of this variant is currently unknown. In summary, the available evidence is currently insufficient to determine the role of this variant in disease. Therefore, it has been classified as a Variant of Uncertain Significance.

All of Us Research Program, National Institutes of Health
Classification: Uncertain significance for Hypertrophic cardiomyopathy. Last evaluated: 2024-07-10. Review status: criteria provided, single submitter. Criteria: ACMG Guidelines, 2015. Collection method: clinical testing. Allele origin: germline. Inheritance: Autosomal dominant inheritance. Observed: 4 variant alleles, 4 heterozygotes.
Comment: This missense variant replaces glutamic acid with lysine at codon 28 of the MYL3 protein. Computational prediction suggests that this variant may not impact protein structure and function (internally defined REVEL score threshold <= 0.5, PMID: 27666373). To our knowledge, functional studies have not been reported for this variant. This variant has not been reported in individuals affected with MYL3-related disorders in the literature. This variant has been identified in 1/250490 chromosomes in the general population by the Genome Aggregation Database (gnomAD). The available evidence is insufficient to determine the role of this variant in disease conclusively. Therefore, this variant is classified as a Variant of Uncertain Significance.

This study involves interpretation of variants in research participants for the purpose of population health screening. Participant phenotype was not available at the time of variant classification. Additional details can be found in publication PMID: 35346344, PMCID: PMC8962531

Color Diagnostics, LLC DBA Color Health
Classification: Uncertain significance for Cardiomyopathy. Last evaluated: 2024-03-06. Review status: criteria provided, single submitter. Criteria: ACMG Guidelines, 2015. Collection method: clinical testing. Allele origin: germline.
Comment: This missense variant replaces glutamic acid with lysine at codon 28 of the MYL3 protein. Computational prediction suggests that this variant may not impact protein structure and function. To our knowledge, functional studies have not been reported for this variant. This variant has not been reported in individuals affected with MYL3-related disorders in the literature. This variant has been identified in 1/250490 chromosomes in the general population by the Genome Aggregation Database (gnomAD). The available evidence is insufficient to determine the role of this variant in disease conclusively. Therefore, this variant is classified as a Variant of Uncertain Significance.

Laboratory for Molecular Medicine, Mass General Brigham Personalized Medicine
Classification: Uncertain significance. Last evaluated: 2018-01-17. Review status: criteria provided, single submitter. Criteria: LMM Criteria. Collection method: clinical testing. Allele origin: germline. Observed: 1 variant allele.
Comment: proposed classification - variant undergoing re-assessment, contact laboratory